The following is an entry in ClinVar:

ClinVar aggregate classification (germline): Benign/Likely benign. Review status: criteria provided, multiple submitters, no conflicts (2 of 4 stars). 18 submissions from 17 submitters: Benign (9); Likely benign (7). 2 of the submissions do not count toward it. Last evaluated 2026-08-01.

Conditions:
Li-Fraumeni syndrome (LFS). Also called: Sarcoma family syndrome of Li and Fraumeni. Identifiers: Orphanet 524, MedGen C0085390, MONDO:0018875.
Familial pancreatic carcinoma. Identifiers: Orphanet 1333, MedGen C2931038, MONDO:0015278, OMIM 260350.
Hereditary cancer-predisposing syndrome. Also called: Neoplastic Syndromes, Hereditary; Hereditary Cancer Syndrome; Tumor predisposition; Hereditary neoplastic syndrome. Identifiers: Orphanet 140162, MedGen C0027672, MeSH D009386, MONDO:0015356.
Familial melanoma. Also called: Hereditary melanoma; Hereditary cutaneous melanoma. Identifiers: Orphanet 618, MedGen C1512419, MONDO:0018961.
Melanoma, cutaneous malignant, susceptibility to, 2 (CMM2). Also called: Cutaneous malignant melanoma 2; CDKN2A-Related Cutaneous Malignant Melanoma. Identifiers: Orphanet 618, MedGen C1835044, MONDO:0007964, OMIM 155601.
Melanoma-pancreatic cancer syndrome. Identifiers: Orphanet 404560, MedGen C1838547, MONDO:0011713, OMIM 606719. Disease mechanism: loss of function.

Allele frequency attached by ClinVar (database versions not stated): gnomAD exomes 0.00069; ExAC 0.00086; ESP Exome Variant Server 0.00205; gnomAD 0.00251 and 0.00273; TOPMed 0.00263; 1000 Genomes Project 0.00300; 1000 Genomes Project 30x 0.00312.
gnomAD v4.1: 829 of 1,597,292 alleles (0.052%); highest among the groups gnomAD compares: African/African-American, 0.97%; 4 homozygotes.

Submissions (18):

CeGaT Center for Human Genetics Tuebingen
Classification: Likely benign. Last evaluated: 2026-08-01. Review status: criteria provided, single submitter. Criteria: CeGaT Center For Human Genetics Tuebingen Variant Classification Criteria Version 2. Collection method: clinical testing. Allele origin: germline. Affected: yes. Observed: 5 variant alleles.
Comment: CDKN2A: PS1, BP4, BS1

Labcorp Genetics (formerly Invitae), Labcorp
Classification: Benign for Familial melanoma. Last evaluated: 2026-02-03. Review status: criteria provided, single submitter. Criteria: Invitae Variant Classification Sherloc (09022015). Collection method: clinical testing. Allele origin: germline.

ARUP Laboratories, Molecular Genetics and Genomics, ARUP Laboratories
Classification: Benign. Last evaluated: 2025-05-20. Review status: criteria provided, single submitter. Criteria: ARUP Molecular Germline Variant Investigation Process 2024. Collection method: clinical testing. Allele origin: germline.

Center for Genomic Medicine, Rigshospitalet, Copenhagen University Hospital
Classification: Likely benign. Last evaluated: 2025-03-04. Review status: criteria provided, single submitter. Criteria: ACMG Guidelines, 2015. Collection method: clinical testing. Allele origin: germline.

KCCC/NGS Laboratory, Kuwait Cancer Control Center
Classification: Benign for Melanoma, cutaneous malignant, susceptibility to, 2. Last evaluated: 2025-02-01. Review status: criteria provided, single submitter. Criteria: ACMG Guidelines, 2015. Collection method: clinical testing. Allele origin: germline. Affected: no.

Blueprint Genetics
Classification: Likely benign. Last evaluated: 2024-11-25. Review status: criteria provided, single submitter. Criteria: ACMG Guidelines, 2015. Collection method: clinical testing. Allele origin: germline.

Department of Pathology and Laboratory Medicine, Sinai Health System
Classification: Likely benign for Li-Fraumeni syndrome; Familial pancreatic carcinoma. Last evaluated: 2024-07-04. Review status: criteria provided, single submitter. Criteria: ACMG Guidelines, 2015. Collection method: clinical testing. Allele origin: germline. Affected: yes.

KCCC/NGS Laboratory, Kuwait Cancer Control Center
Classification: Benign for Melanoma-pancreatic cancer syndrome. Last evaluated: 2023-07-07. Review status: criteria provided, single submitter. Criteria: ACMG Guidelines, 2015. Collection method: clinical testing. Allele origin: germline. Affected: yes.

Myriad Genetics, Inc.
Classification: Benign for Melanoma-pancreatic cancer syndrome. Last evaluated: 2023-04-20. Review status: criteria provided, single submitter. Criteria: Myriad Autosomal Dominant, Autosomal Recessive and X-Linked Classification Criteria (2023). Collection method: clinical testing. Allele origin: unknown.
Comment: This variant is considered benign. This variant is a silent/synonymous amino acid change and it is not expected to impact splicing.

Quest Diagnostics Nichols Institute San Juan Capistrano
Classification: Benign. Last evaluated: 2022-07-18. Review status: criteria provided, single submitter. Criteria: Quest Diagnostics criteria. Collection method: clinical testing. Allele origin: unknown.

Genetic Services Laboratory, University of Chicago
Classification: Likely benign. Last evaluated: 2021-11-09. Review status: criteria provided, single submitter. Criteria: ACMG Guidelines, 2015. Collection method: clinical testing. Allele origin: germline. Affected: no.

Sema4
Classification: Benign for Hereditary cancer-predisposing syndrome. Last evaluated: 2020-10-20. Review status: criteria provided, single submitter. Criteria: Sema4 Curation Guidelines. Collection method: curation. Allele origin: germline.

GeneDx
Classification: Likely benign. Last evaluated: 2018-01-11. Review status: criteria provided, single submitter. Criteria: GeneDx Variant Classification (06012015). Collection method: clinical testing. Allele origin: germline. Affected: yes.
Comment: This variant is considered likely benign or benign based on one or more of the following criteria: it is a conservative change, it occurs at a poorly conserved position in the protein, it is predicted to be benign by multiple in silico algorithms, and/or has population frequency not consistent with disease.

Color Diagnostics, LLC DBA Color Health
Classification: Benign for Hereditary cancer-predisposing syndrome. Last evaluated: 2016-03-21. Review status: criteria provided, single submitter. Criteria: ACMG Guidelines, 2015. Collection method: clinical testing. Allele origin: germline.

Ambry Genetics
Classification: Benign for Hereditary cancer-predisposing syndrome. Last evaluated: 2015-11-04. Review status: criteria provided, single submitter. Criteria: Ambry Autosomal Dominant and X-Linked criteria (10/2015). Collection method: clinical testing. Allele origin: germline. Observed: 1 variant allele.
Comment: General population or subpopulation frequency is too high to be a pathogenic mutation based on disease/syndrome prevalence and penetrance

Breakthrough Genomics
Classification: Likely benign. Review status: criteria provided, single submitter. Criteria: ACMG Guidelines, 2015. Collection method: not provided. Allele origin: germline. Inheritance: Autosomal dominant inheritance. Affected: yes.

Counsyl
Classification: Benign for Melanoma-pancreatic cancer syndrome. Last evaluated: 2016-07-28. Review status: no assertion criteria provided. Collection method: clinical testing. Allele origin: unknown. Not counted in ClinVar's aggregate classification.

ITMI
No classification provided. Condition: AllHighlyPenetrant. Last evaluated: 2013-09-19. Review status: no classification provided. Collection method: reference population. Allele origin: germline. Not counted in ClinVar's aggregate classification.
Comment: Please see associated publication for description of ethnicities

Literature cited by the submitters: PubMed 26681309 (cited by Department of Pathology and Laboratory Medicine, Sinai Health System and Quest Diagnostics Nichols Institute San Juan Capistrano); PubMed 25980754 (cited by Department of Pathology and Laboratory Medicine, Sinai Health System and Quest Diagnostics Nichols Institute San Juan Capistrano); PubMed 17218939 (cited by Department of Pathology and Laboratory Medicine, Sinai Health System and Quest Diagnostics Nichols Institute San Juan Capistrano); PubMed 16234564 (cited by 3 submitters); PubMed 15860862 (cited by Department of Pathology and Laboratory Medicine, Sinai Health System and Quest Diagnostics Nichols Institute San Juan Capistrano); PubMed 15146471 (cited by Department of Pathology and Laboratory Medicine, Sinai Health System and Quest Diagnostics Nichols Institute San Juan Capistrano); PubMed 8561866 (cited by Department of Pathology and Laboratory Medicine, Sinai Health System and Counsyl); PubMed 9049826 (cited by Counsyl); PubMed 24728327 (cited by ITMI).

NM_000077.5(CDKN2A):c.174A>C (p.Arg58=)

Gene: CDKN2A (cyclin dependent kinase inhibitor 2A; minus strand). Cytogenetic location: 9p21.3.
Variant type: single nucleotide variant.
Coding change: c.174A>C on transcript NM_000077.5; coding-DNA position 174, A replaced by C.
Protein change: p.Arg58=; no amino-acid change (arginine 58 retained).
Molecular consequence: synonymous variant (on NM_000077.6). On other transcripts: missense variant (1), 3 prime UTR variant (1).
Genome position (GRCh38, 1-based): chr9:21,971,185, T>G on the plus strand (A>C on the coding strand, the complement: CDKN2A is on the minus strand). VCF-style: chr9-21971185-T-G. GRCh37 (hg19) VCF-style: chr9-21971184-T-G.
Other names: p.S73R:AGT>CGT; p.R58R:CGA>CGC; c.174A>C, p.Arg58= (NM_000077.6, NM_001195132.2); c.21A>C, p.Arg7= (NM_001363763.2); c.217A>C, p.Ser73Arg (NM_058195.4); c.*97A>C (NM_058197.5); short protein forms S73R.
Identifiers: ClinVar variation 128200 (VCV000128200.51), dbSNP rs201208890, ClinGen allele CA151535.